The following is an entry in ClinVar:

NM_006767.4(LZTR1):c.1930C>T (p.Pro644Ser)

Gene: LZTR1 (leucine zipper like post translational regulator 1; plus strand). Cytogenetic location: 22q11.21.
Variant type: single nucleotide variant.
Coding change: c.1930C>T on transcript NM_006767.4 (MANE Select); coding-DNA position 1930, C replaced by T.
Protein change: p.Pro644Ser; replaces proline 644 with serine.
Molecular consequence: missense variant.
Genome position (GRCh38, 1-based): chr22:20,995,014, C>T. VCF-style: chr22-20995014-C-T. GRCh37 (hg19) VCF-style: chr22-21349303-C-T.
Other names: c.1930C>T (NM_006767.3); short protein forms P644S.
Identifiers: ClinVar variation 2714880 (VCV002714880.4), dbSNP rs1569157562, ClinGen allele CA410778752.

ClinVar aggregate classification (germline): Uncertain significance. Review status: criteria provided, multiple submitters, no conflicts (2 of 4 stars). 2 submissions from 2 submitters: Uncertain significance (2). Last evaluated 2024-08-04.

Conditions:
Hereditary cancer-predisposing syndrome. Also called: Neoplastic Syndromes, Hereditary; Tumor predisposition; Hereditary neoplastic syndrome; Hereditary Cancer Syndrome. Identifiers: Orphanet 140162, MedGen C0027672, MeSH D009386, MONDO:0015356.
Cardiovascular phenotype. Identifiers: MedGen CN230736.

gnomAD v4.1: 1 of 1,609,732 alleles (0.000062%); highest among the groups gnomAD compares: Non-Finnish European, 0.000085%; no homozygotes.

Submissions (2):

Ambry Genetics
Classification: Uncertain significance for Cardiovascular phenotype; Hereditary cancer-predisposing syndrome. Last evaluated: 2024-08-04. Review status: criteria provided, single submitter. Criteria: Ambry Variant Classification Scheme 2023. Collection method: clinical testing. Allele origin: germline.
Comment: The p.P644S variant (also known as c.1930C>T), located in coding exon 16 of the LZTR1 gene, results from a C to T substitution at nucleotide position 1930. The proline at codon 644 is replaced by serine, an amino acid with similar properties. This amino acid position is conserved. In addition, this alteration is predicted to be tolerated by in silico analysis. Based on the available evidence, the clinical significance of this variant remains unclear.

Labcorp Genetics (formerly Invitae), Labcorp
Classification: Uncertain significance. Last evaluated: 2023-08-30. Review status: criteria provided, single submitter. Criteria: Invitae Variant Classification Sherloc (09022015). Collection method: clinical testing. Allele origin: germline.
Comment: In summary, the available evidence is currently insufficient to determine the role of this variant in disease. Therefore, it has been classified as a Variant of Uncertain Significance. Advanced modeling of protein sequence and biophysical properties (such as structural, functional, and spatial information, amino acid conservation, physicochemical variation, residue mobility, and thermodynamic stability) performed at Invitae indicates that this missense variant is not expected to disrupt LZTR1 protein function. This variant has not been reported in the literature in individuals affected with LZTR1-related conditions. This variant is not present in population databases (gnomAD no frequency). This sequence change replaces proline, which is neutral and non-polar, with serine, which is neutral and polar, at codon 644 of the LZTR1 protein (p.Pro644Ser).